The following is an entry in ClinVar:

ClinVar aggregate classification (germline): Conflicting classifications of pathogenicity. Review status: criteria provided, conflicting classifications (1 of 4 stars). 7 submissions from 7 submitters: Uncertain significance (1); Benign (1); Likely benign (5). Last evaluated 2025-12-23.

Conditions:
Fanconi anemia complementation group P. Also called: SLX4-Related Fanconi Anemia. Identifiers: Orphanet 84, MedGen C3469542, MONDO:0013499, OMIM 613951.
Fanconi anemia (FA). Also called: Fanconi's anemia. Identifiers: Orphanet 84, MedGen C0015625, MeSH D005199, MONDO:0019391.

Allele frequency attached by ClinVar (database versions not stated): gnomAD exomes 0.00025; ExAC 0.00031; 1000 Genomes Project 30x 0.00062; TOPMed 0.00071; 1000 Genomes Project 0.00080; gnomAD 0.00081 and 0.00085; ESP Exome Variant Server 0.00085.
gnomAD v4.1: 302 of 1,613,332 alleles (0.019%); highest among the groups gnomAD compares: African/African-American, 0.24%; no homozygotes.

Submissions (7):

Labcorp Genetics (formerly Invitae), Labcorp
Classification: Likely benign for Fanconi anemia. Last evaluated: 2025-12-23. Review status: criteria provided, single submitter. Criteria: Invitae Variant Classification Sherloc (09022015). Collection method: clinical testing. Allele origin: germline.

Blueprint Genetics
Classification: Likely benign. Last evaluated: 2024-10-28. Review status: criteria provided, single submitter. Criteria: ACMG Guidelines, 2015. Collection method: clinical testing. Allele origin: germline.

CeGaT Center for Human Genetics Tuebingen
Classification: Likely benign. Last evaluated: 2024-01-01. Review status: criteria provided, single submitter. Criteria: CeGaT Center For Human Genetics Tuebingen Variant Classification Criteria Version 2. Collection method: clinical testing. Allele origin: germline. Affected: yes. Observed: 1 variant allele.
Comment: SLX4: BP4, BP7

KCCC/NGS Laboratory, Kuwait Cancer Control Center
Classification: Likely benign for Fanconi anemia complementation group P. Last evaluated: 2023-07-07. Review status: criteria provided, single submitter. Criteria: ACMG Guidelines, 2015. Collection method: clinical testing. Allele origin: germline. Affected: yes.

Sema4
Classification: Likely benign for Fanconi anemia. Last evaluated: 2021-06-28. Review status: criteria provided, single submitter. Criteria: Sema4 Curation Guidelines. Collection method: curation. Allele origin: germline.

Genetic Services Laboratory, University of Chicago
Classification: Benign. Last evaluated: 2021-04-08. Review status: criteria provided, single submitter. Criteria: ACMG Guidelines, 2015. Collection method: clinical testing. Allele origin: germline. Affected: no.

Illumina Laboratory Services, Illumina
Classification: Uncertain significance for Fanconi anemia complementation group P. Last evaluated: 2018-01-13. Review status: criteria provided, single submitter. Criteria: ICSL Variant Classification Criteria 13 December 2019. Collection method: clinical testing. Allele origin: germline.

NM_032444.4(SLX4):c.3774C>T (p.Pro1258=)

Gene: SLX4 (SLX4 structure-specific endonuclease subunit; minus strand). Cytogenetic location: 16p13.3.
Variant type: single nucleotide variant.
Coding change: c.3774C>T on transcript NM_032444.4 (MANE Select); coding-DNA position 3774, C replaced by T.
Protein change: p.Pro1258=; no amino-acid change (proline 1258 retained).
Molecular consequence: synonymous variant.
Genome position (GRCh38, 1-based): chr16:3,589,864, G>A on the plus strand (C>T on the coding strand, the complement: SLX4 is on the minus strand). VCF-style: chr16-3589864-G-A. GRCh37 (hg19) VCF-style: chr16-3639865-G-A.
Other names: c.3774C>T (LRG_503t1).
Identifiers: ClinVar variation 215952 (VCV000215952.42), dbSNP rs146054214, ClinGen allele CA336391.